The following is an entry in ClinVar:

ClinVar aggregate classification (germline): Likely benign (1 of 4 stars; one submission).

Submission:

CeGaT Center for Human Genetics Tuebingen
Classification: Likely benign. Last evaluated: 2026-04-01. Review status: criteria provided, single submitter. Criteria: CeGaT Center For Human Genetics Tuebingen Variant Classification Criteria Version 2. Collection method: clinical testing. Allele origin: germline. Affected: yes. Observed: 1 variant allele.
Comment: YIPF3: PM2:Supporting, BP4, BP7

NM_015388.4(YIPF3):c.540G>A (p.Glu180=)

Gene: YIPF3 (Yip1 domain family member 3; minus strand). Cytogenetic location: 6p21.1.
Variant type: single nucleotide variant.
Coding change: c.540G>A on transcript NM_015388.4 (MANE Select); coding-DNA position 540, G replaced by A.
Protein change: p.Glu180=; no amino-acid change (glutamic acid 180 retained).
Molecular consequence: synonymous variant.
Genome position (GRCh38, 1-based): chr6:43,513,195, C>T on the plus strand (G>A on the coding strand, the complement: YIPF3 is on the minus strand). VCF-style: chr6-43513195-C-T. GRCh37 (hg19) VCF-style: chr6-43480933-C-T.
Identifiers: ClinVar variation 4874686 (VCV004874686.2).